The following is an entry in ClinVar:

ClinVar aggregate classification (germline): Likely benign (1 of 4 stars; one submission).

Conditions:
White sponge nevus 1. Also called: LEUKOKERATOSIS, HEREDITARY MUCOSAL. Identifiers: MedGen C4011926, MONDO:0008676, OMIM 193900.

Allele frequency attached by ClinVar (database versions not stated): TOPMed 0.00005.
gnomAD v4.1: 91 of 1,613,904 alleles (0.0056%); highest among the groups gnomAD compares: South Asian, 0.041%; 1 homozygote.

Submission:

Illumina Laboratory Services, Illumina
Classification: Likely benign for White sponge nevus 1. Last evaluated: 2018-01-13. Review status: criteria provided, single submitter. Criteria: ICSL Variant Classification Criteria 13 December 2019. Collection method: clinical testing. Allele origin: germline.
Comment: This variant was observed in the ICSL laboratory as part of a predisposition screen in an ostensibly healthy population. It had not been previously curated by ICSL or reported in the Human Gene Mutation Database (HGMD: prior to June 1st, 2018), and was therefore a candidate for classification through an automated scoring system. Utilizing variant allele frequency, disease prevalence and penetrance estimates, and inheritance mode, an automated score was calculated to assess if this variant is too frequent to cause the disease. Based on the score and internal cut-off values, a variant classified as likely benign is not then subjected to further curation. The score for this variant resulted in a classification of likely benign for this disease.

NM_002272.4(KRT4):c.801C>T (p.Asp267=)

Gene: KRT4 (keratin 4; minus strand). Cytogenetic location: 12q13.13.
Variant type: single nucleotide variant.
Coding change: c.801C>T on transcript NM_002272.4 (MANE Select); coding-DNA position 801, C replaced by T.
Protein change: p.Asp267=; no amino-acid change (aspartic acid 267 retained).
Molecular consequence: synonymous variant.
Genome position (GRCh38, 1-based): chr12:52,809,416, G>A on the plus strand (C>T on the coding strand, the complement: KRT4 is on the minus strand). VCF-style: chr12-52809416-G-A. GRCh37 (hg19) VCF-style: chr12-53203200-G-A.
Identifiers: ClinVar variation 881649 (VCV000881649.4), dbSNP rs369207280, ClinGen allele CA6588604.
Genomic context (GRCh38, chr12:52,809,416, plus strand): 5'-GGATGGAGGGGAGGATGGAGCCCTCACCGCATCATAGAGGACCTTCAGGAAGTTGATCTC[G>A]TCATTAAGACTGTCCACCTTGGCCTCCAACTCCACCTTGTTCAGGTAGGCAGCATCCACG-3'
Protein context (NP_002263.3, residues 257-277): ELEAKVDSLN[Asp267=]EINFLKVLYD